The following is an entry in ClinVar:

NM_004304.5(ALK):c.1652G>A (p.Arg551Gln)

Gene: ALK (ALK receptor tyrosine kinase; minus strand). Cytogenetic location: 2p23.2.
Variant type: single nucleotide variant.
Coding change: c.1652G>A on transcript NM_004304.5 (MANE Select); coding-DNA position 1652, G replaced by A.
Protein change: p.Arg551Gln; replaces arginine 551 with glutamine.
Molecular consequence: missense variant.
Genome position (GRCh38, 1-based): chr2:29,297,053, C>T on the plus strand (G>A on the coding strand, the complement: ALK is on the minus strand). VCF-style: chr2-29297053-C-T. GRCh37 (hg19) VCF-style: chr2-29519919-C-T.
Other names: short protein forms R551Q.
Identifiers: ClinVar variation 404361 (VCV000404361.11), dbSNP rs374136388, ClinGen allele CA1594566.

ClinVar aggregate classification (germline): Conflicting classifications of pathogenicity. Review status: criteria provided, conflicting classifications (1 of 4 stars). 2 submissions from 2 submitters: Uncertain significance (1); Benign (1). Last evaluated 2025-12-03.

Conditions:
Hereditary cancer-predisposing syndrome. Also called: Tumor predisposition; Neoplastic Syndromes, Hereditary; Hereditary Cancer Syndrome; Hereditary neoplastic syndrome. Identifiers: Orphanet 140162, MedGen C0027672, MeSH D009386, MONDO:0015356.
Neuroblastoma, susceptibility to, 3. Also called: ALK-Related Neuroblastic Tumor Susceptibility. Identifiers: Orphanet 635, MedGen C2751681, MONDO:0013083, OMIM 613014.

Allele frequency attached by ClinVar (database versions not stated): gnomAD exomes 0.00001 and 0.00004; ExAC 0.00002; gnomAD 0.00003; TOPMed 0.00006.
gnomAD v4.1: 28 of 1,614,000 alleles (0.0017%); highest among the groups gnomAD compares: Admixed American, 0.018%; 1 homozygote.

Submissions (2):

Labcorp Genetics (formerly Invitae), Labcorp
Classification: Uncertain significance for Neuroblastoma, susceptibility to, 3. Last evaluated: 2025-12-03. Review status: criteria provided, single submitter. Criteria: Invitae Variant Classification Sherloc (09022015). Collection method: clinical testing. Allele origin: germline.
Comment: This sequence change replaces arginine, which is basic and polar, with glutamine, which is neutral and polar, at codon 551 of the ALK protein (p.Arg551Gln). This variant is present in population databases (rs374136388, gnomAD 0.01%). This variant has not been reported in the literature in individuals affected with ALK-related conditions. ClinVar contains an entry for this variant (Variation ID: 404361). An algorithm developed to predict the effect of missense changes on protein structure and function outputs the following: PolyPhen-2: "Benign". The glutamine amino acid residue is found in multiple mammalian species, which suggests that this missense change does not adversely affect protein function. In summary, the available evidence is currently insufficient to determine the role of this variant in disease. Therefore, it has been classified as a Variant of Uncertain Significance.

Ambry Genetics
Classification: Benign for Hereditary cancer-predisposing syndrome. Last evaluated: 2024-08-20. Review status: criteria provided, single submitter. Criteria: Ambry Variant Classification Scheme 2023. Collection method: clinical testing. Allele origin: germline.